The following is an entry in ClinVar:

ClinVar aggregate classification (germline): Uncertain significance (1 of 4 stars; one submission).

Conditions:
Inborn genetic diseases. Identifiers: MedGen C0950123, MeSH D030342.

Allele frequency attached by ClinVar (database versions not stated): gnomAD exomes below 0.00001; gnomAD 0.00001; TOPMed 0.00001.
gnomAD v4.1: 6 of 1,613,960 alleles (0.00037%); highest among the groups gnomAD compares: Non-Finnish European, 0.00051%; no homozygotes.

Submission:

Ambry Genetics
Classification: Uncertain significance for Inborn genetic diseases. Last evaluated: 2020-11-04. Review status: criteria provided, single submitter. Criteria: Ambry Variant Classification Scheme 2023. Collection method: clinical testing. Allele origin: germline.
Comment: The c.139G>A (p.V47M) alteration is located in coding exon 3 of the TYROBP gene. This alteration results from a G to A substitution at nucleotide position 139, causing the valine (V) at amino acid position 47 to be replaced by a methionine (M). This amino acid position is highly conserved in available vertebrate species. The in silico prediction for the p.V47M alteration is inconclusive. Based on insufficient or conflicting evidence, the clinical significance of this alteration remains unclear.

NM_003332.4(TYROBP):c.139G>A (p.Val47Met)

Gene: TYROBP (transmembrane immune signaling adaptor TYROBP; minus strand). Cytogenetic location: 19q13.12.
Variant type: single nucleotide variant.
Coding change: c.139G>A on transcript NM_003332.4 (MANE Select); coding-DNA position 139, G replaced by A.
Protein change: p.Val47Met; replaces valine 47 with methionine.
Molecular consequence: missense variant. On other transcripts: non-coding transcript variant (1).
Genome position (GRCh38, 1-based): chr19:35,907,536, C>T on the plus strand (G>A on the coding strand, the complement: TYROBP is on the minus strand). VCF-style: chr19-35907536-C-T. GRCh37 (hg19) VCF-style: chr19-36398438-C-T.
Other names: c.106G>A, p.Val36Met (NM_001173514.2, NM_001173515.2); c.139G>A, p.Val47Met (NM_198125.3); short protein forms V36M, V47M.
Identifiers: ClinVar variation 2227772 (VCV002227772.2), dbSNP rs1463520757, ClinGen allele CA405388224.
Genomic context (GRCh38, chr19:35,907,536, plus strand): 5'-GCCGGCCCAGGAAGTACACGGCCAGGGCAATGAGCACTGTCAGCACCAGGTCTCCCATCA[C>T]GATCCCTGCCAGCACGCCCGGGCTCACCGTAGAGCAACTGCAATCTGCAGCACAGGGGTC-3'
Protein context (NP_003323.1, residues 37-57): TVSPGVLAGI[Val47Met]MGDLVLTVLI